The following is an entry in ClinVar:

NM_144691.4(CAPN12):c.1999C>T (p.Arg667Cys)

Genes: ACTN4 (actinin alpha 4; plus strand), CAPN12 (calpain 12; minus strand). Cytogenetic location: 19q13.2.
Variant type: single nucleotide variant.
Coding change: c.1999C>T on transcript NM_144691.4 (MANE Select); coding-DNA position 1999, C replaced by T.
Protein change: p.Arg667Cys; replaces arginine 667 with cysteine.
Molecular consequence: missense variant. On other transcripts: 3 prime UTR variant (3).
Genome position (GRCh38, 1-based): chr19:38,731,182, G>A on the plus strand (C>T on the coding strand, the complement: CAPN12 is on the minus strand). VCF-style: chr19-38731182-G-A. GRCh37 (hg19) VCF-style: chr19-39221822-G-A.
Other names: c.*1750G>A (NM_001322033.2, NM_001411143.1, NM_004924.6); short protein forms R667C.
Identifiers: ClinVar variation 3039932 (VCV003039932.2), dbSNP rs143345899, ClinGen allele CA9418291.

ClinVar aggregate classification (germline): Benign (0 of 4 stars; one submission).

Conditions:
CAPN12-related disorder. Also called: CAPN12-related condition.

Allele frequency attached by ClinVar (database versions not stated): 1000 Genomes Project 0.00080; 1000 Genomes Project 30x 0.00094; TOPMed 0.00131; gnomAD 0.00145; ExAC 0.00147; ESP Exome Variant Server 0.00154.
gnomAD v4.1: 2,738 of 1,612,968 alleles (0.17%); highest among the groups gnomAD compares: Non-Finnish European, 0.18%; 6 homozygotes.

Submission:

PreventionGenetics, part of Exact Sciences
Classification: Benign for CAPN12-related condition. Last evaluated: 2019-10-28. Review status: no assertion criteria provided. Collection method: clinical testing. Allele origin: germline.
Comment: This variant is classified as benign based on ACMG/AMP sequence variant interpretation guidelines (Richards et al. 2015 PMID: 25741868, with internal and published modifications).